The following is an entry in ClinVar:

ClinVar aggregate classification (germline): Uncertain significance (1 of 4 stars; one submission).

Conditions:
Autosomal dominant nocturnal frontal lobe epilepsy 5. Also called: Epilepsy, nocturnal frontal lobe, 5; KCNT1-Related Epilepsy; CILIARY DYSKINESIA, PRIMARY, 28, WITHOUT SITUS INVERSUS; CILIARY DYSKINESIA, PRIMARY, 28, WITH SITUS INVERSUS. Identifiers: Orphanet 98784, MedGen C3554306, MONDO:0014002, OMIM 615005.
Developmental and epileptic encephalopathy, 14 (DEE14). Also called: Early infantile epileptic encephalopathy 14. Identifiers: Orphanet 293181, MedGen C3554195, MONDO:0013989, OMIM 614959.

Submission:

Labcorp Genetics (formerly Invitae), Labcorp
Classification: Uncertain significance for Autosomal dominant nocturnal frontal lobe epilepsy 5; Developmental and epileptic encephalopathy, 14. Last evaluated: 2022-04-11. Review status: criteria provided, single submitter. Criteria: Invitae Variant Classification Sherloc (09022015). Collection method: clinical testing. Allele origin: germline.
Comment: This sequence change replaces serine, which is neutral and polar, with arginine, which is basic and polar, at codon 1210 of the KCNT1 protein (p.Ser1210Arg). This variant is not present in population databases (gnomAD no frequency). This variant has not been reported in the literature in individuals affected with KCNT1-related conditions. Advanced modeling of protein sequence and biophysical properties (such as structural, functional, and spatial information, amino acid conservation, physicochemical variation, residue mobility, and thermodynamic stability) performed at Invitae indicates that this missense variant is not expected to disrupt KCNT1 protein function. In summary, the available evidence is currently insufficient to determine the role of this variant in disease. Therefore, it has been classified as a Variant of Uncertain Significance.

NM_020822.3(KCNT1):c.3630C>A (p.Ser1210Arg)

Gene: KCNT1 (potassium sodium-activated channel subfamily T member 1; plus strand). Cytogenetic location: 9q34.3.
Variant type: single nucleotide variant.
Coding change: c.3630C>A on transcript NM_020822.3 (MANE Select); coding-DNA position 3630, C replaced by A.
Protein change: p.Ser1210Arg; replaces serine 1210 with arginine.
Molecular consequence: missense variant.
Genome position (GRCh38, 1-based): chr9:135,792,083, C>A. VCF-style: chr9-135792083-C-A. GRCh37 (hg19) VCF-style: chr9-138683929-C-A.
Other names: c.3558C>A, p.Ser1186Arg (NM_001272003.2); short protein forms S1186R, S1210R.
Identifiers: ClinVar variation 2157720 (VCV002157720.4), dbSNP rs1403668275, ClinGen allele CA375494361.